The following is an entry in ClinVar:

ClinVar aggregate classification (germline): Uncertain significance. Review status: criteria provided, multiple submitters, no conflicts (2 of 4 stars). 2 submissions from 2 submitters: Uncertain significance (2). Last evaluated 2025-03-09.

gnomAD v4.1: 2 of 1,608,842 alleles (0.00012%); highest among the groups gnomAD compares: Non-Finnish European, 0.00017%; no homozygotes.

Submissions (2):

Ambry Genetics
Classification: Uncertain significance. Last evaluated: 2025-03-09. Review status: criteria provided, single submitter. Criteria: Ambry Variant Classification Scheme 2023. Collection method: clinical testing. Allele origin: germline.
Comment: The p.K73E variant (also known as c.217A>G), located in coding exon 2 of the SRP72 gene, results from an A to G substitution at nucleotide position 217. The lysine at codon 73 is replaced by glutamic acid, an amino acid with similar properties. This amino acid position is conserved. In addition, the in silico prediction for this alteration is inconclusive. Based on the available evidence, the clinical significance of this variant remains unclear.

Labcorp Genetics (formerly Invitae), Labcorp
Classification: Uncertain significance. Last evaluated: 2024-04-06. Review status: criteria provided, single submitter. Criteria: Invitae Variant Classification Sherloc (09022015). Collection method: clinical testing. Allele origin: germline.
Comment: This sequence change replaces lysine, which is basic and polar, with glutamic acid, which is acidic and polar, at codon 73 of the SRP72 protein (p.Lys73Glu). This variant is not present in population databases (gnomAD no frequency). This variant has not been reported in the literature in individuals affected with SRP72-related conditions. Advanced modeling of protein sequence and biophysical properties (such as structural, functional, and spatial information, amino acid conservation, physicochemical variation, residue mobility, and thermodynamic stability) performed at Invitae indicates that this missense variant is not expected to disrupt SRP72 protein function with a negative predictive value of 80%. In summary, the available evidence is currently insufficient to determine the role of this variant in disease. Therefore, it has been classified as a Variant of Uncertain Significance.

NM_006947.4(SRP72):c.217A>G (p.Lys73Glu)

Gene: SRP72 (signal recognition particle 72; plus strand). Cytogenetic location: 4q12.
Variant type: single nucleotide variant.
Coding change: c.217A>G on transcript NM_006947.4 (MANE Select); coding-DNA position 217, A replaced by G.
Protein change: p.Lys73Glu; replaces lysine 73 with glutamic acid.
Molecular consequence: missense variant. On other transcripts: non-coding transcript variant (1).
Genome position (GRCh38, 1-based): chr4:56,469,760, A>G. VCF-style: chr4-56469760-A-G. GRCh37 (hg19) VCF-style: chr4-57335926-A-G.
Other names: c.217A>G, p.Lys73Glu (NM_001267722.2); c.217A>G (NM_006947.3); short protein forms K73E.
Identifiers: ClinVar variation 3689729 (VCV003689729.3).
Genomic context (GRCh38, chr4:56,469,760, plus strand): 5'-GTATGCCTTATCCAGAATGGAAGTTTCAAGGAAGCTTTGAATGTCATCAATACTCACACC[A>G]AAGTGTTAGCCAAGTAAGTGATTCAGTTAGTTGCTTGTACAGTTATTAGAAACACTTACT-3'
Protein context (NP_008878.3, residues 63-83): EALNVINTHT[Lys73Glu]VLANNSLSFE